The following is an entry in ClinVar:

NC_000013.11:g.(?_32315480)_(32316547_?)del

Genes: BRCA2 (BRCA2 DNA repair associated; plus strand), LOC106721785 (BRCA2 promoter/silencer region; plus strand), LOC130009523 (ATAC-STARR-seq lymphoblastoid active region 7554; plus strand). Cytogenetic location: 13q13.1.
Variant type: Deletion.
Identifiers: ClinVar variation 583428 (VCV000583428.10).

ClinVar aggregate classification (germline): Pathogenic (1 of 4 stars; one submission).

Conditions:
Hereditary breast ovarian cancer syndrome. Also called: Hereditary breast and ovarian cancer syndrome; Hereditary breast and/or ovarian cancer syndrome; Hereditary breast and ovarian cancer syndrome (HBOC); Breast and ovarian cancer; BRCA1- and BRCA2-Associated Hereditary Breast and Ovarian Cancer; Hereditary breast and ovarian cancer. Identifiers: Orphanet 145, MedGen C0677776, MeSH D061325, MONDO:0003582. Disease mechanism: loss of function.

Submission:

Labcorp Genetics (formerly Invitae), Labcorp
Classification: Pathogenic for Hereditary breast ovarian cancer syndrome. Last evaluated: 2023-11-17. Review status: criteria provided, single submitter. Criteria: Invitae Variant Classification Sherloc (09022015). Collection method: clinical testing. Allele origin: germline.
Comment: This variant is a gross deletion of the genomic region encompassing exon(s) 1-2 of the BRCA2 gene, which includes the initiator codon. This deletion extends beyond the assayed region for this gene and therefore may encompass additional genes. It is expected to result in an absent or disrupted protein product. Loss-of-function variants in BRCA2 are known to be pathogenic (PMID: 20104584). A similar copy number variant has been observed in individual(s) with breast, ovarian and prostate cancer (PMID: 15863663, 17636422, 20616022). For these reasons, this variant has been classified as Pathogenic.

Literature cited by the submitters: PubMed 20104584; PubMed 15863663; PubMed 17636422; PubMed 20616022.